The following is an entry in ClinVar:

NM_013291.3(CPSF1):c.1455C>T (p.Phe485=)

Gene: CPSF1 (cleavage and polyadenylation specific factor 1; minus strand). Cytogenetic location: 8q24.3.
Variant type: single nucleotide variant.
Coding change: c.1455C>T on transcript NM_013291.3 (MANE Select); coding-DNA position 1455, C replaced by T.
Protein change: p.Phe485=; no amino-acid change (phenylalanine 485 retained).
Molecular consequence: synonymous variant.
Genome position (GRCh38, 1-based): chr8:144,399,140, G>A on the plus strand (C>T on the coding strand, the complement: CPSF1 is on the minus strand). VCF-style: chr8-144399140-G-A. GRCh37 (hg19) VCF-style: chr8-145624530-G-A.
Identifiers: ClinVar variation 4995110 (VCV004995110.1).

ClinVar aggregate classification (germline): Likely benign (1 of 4 stars; one submission).

Conditions:
CPSF1-related disorder. Also called: CPSF1-related condition.

gnomAD v4.1: 234 of 1,582,942 alleles (0.015%); highest among the groups gnomAD compares: African/African-American, 0.26%; no homozygotes.

Submission:

PreventionGenetics, part of Exact Sciences
Classification: Likely benign for CPSF1-related condition. Last evaluated: 2025-06-16. Review status: criteria provided, single submitter. Criteria: ACMG Guidelines, 2015. Collection method: clinical testing. Allele origin: germline.
Comment: This variant is classified as likely benign based on ACMG/AMP sequence variant interpretation guidelines (Richards et al. 2015 PMID: 25741868, with internal and published modifications).